The following is an entry in ClinVar:

ClinVar aggregate classification (germline): Likely pathogenic (1 of 4 stars; one submission).

Conditions:
Hereditary cancer-predisposing syndrome. Also called: Neoplastic Syndromes, Hereditary; Tumor predisposition; Hereditary Cancer Syndrome; Hereditary neoplastic syndrome. Identifiers: Orphanet 140162, MedGen C0027672, MeSH D009386, MONDO:0015356.

Submission:

Ambry Genetics
Classification: Likely pathogenic for Hereditary cancer-predisposing syndrome. Last evaluated: 2019-05-09. Review status: criteria provided, single submitter. Criteria: Ambry Variant Classification Scheme 2023. Collection method: clinical testing. Allele origin: germline.
Comment: The c.804-64_804-63insSVA intronic variant results from the insertion of an SVA element between 64 and 63 nucleotides upstream of coding exon 8 in the PMS2 gene. A similar SVA element insertion in the PMS2 gene has been reported in an individual whose colon tumor displayed high microsatellite instability with loss of PMS2 expression on immunohistochemistry (IHC) and family history met Amsterdam II criteria for Lynch syndrome (van der Klift H et al. Genes Chromosomes Cancer, 2005 Oct;44:123-38; van der Klift HM et al. Hum. Mutat., 2012 Jul;33:1051-5; van der Klift HM et al. Hum. Mutat., 2016 11;37:1162-1179). Furthermore, analysis by RT-PCR demonstrated aberrant splicing with insertion of a 71 base pair fragment causing a frame-shift with a predicted alternate stop codon. No wild-type transcript was reported to be produced from the mutant allele (van der Klift HM et al. Hum. Mutat., 2012 Jul;33:1051-5). Based on the majority of available evidence to date, this variant is likely to be pathogenic.

Literature cited by the submitters: PubMed 15942939; PubMed 16472587; PubMed 22461402; PubMed 27435373; PubMed 30161022.

NM_000535.5:c.804-64_804-63insSVA

Gene: PMS2 (PMS1 homolog 2, mismatch repair system component; minus strand).
Variant type: Insertion.
Identifiers: ClinVar variation 1761774 (VCV001761774.2).